The following is an entry in ClinVar:

NM_005751.5(AKAP9):c.6946-3_6946-1del

Gene: AKAP9 (A-kinase anchoring protein 9; plus strand). Cytogenetic location: 7q21.2.
Variant type: Deletion.
Coding change: c.6946-3_6946-1del on transcript NM_005751.5 (MANE Select); 3 bases into the intron before coding-DNA position 6946 through the canonical splice acceptor site of the intron before coding-DNA position 6946, 3 bases deleted (TAG; older notation c.6946-3_6946-1delTAG).
Molecular consequence: splice acceptor variant.
Genome position (GRCh38, 1-based): chr7:92,079,076-92,079,078, TAG deleted. VCF-style (leftmost placement, unchanged base first): chr7-92079075-TTAG-T. GRCh37 (hg19) VCF-style: chr7-91708389-TTAG-T.
Other names: c.6922-3_6922-1del (NM_147185.3); c.1591-3_1591-1del (NM_001379277.1).
Identifiers: ClinVar variation 2033845 (VCV002033845.4), dbSNP rs2535243784, ClinGen allele CA2580077465.

ClinVar aggregate classification (germline): Uncertain significance (1 of 4 stars; one submission).

Conditions:
Long QT syndrome (LQTS). Identifiers: MedGen C0023976, MeSH D008133, MONDO:0002442. Disease mechanism: loss of function. Inheritance: Various modes of inheritance.

Submission:

Labcorp Genetics (formerly Invitae), Labcorp
Classification: Uncertain significance for Long QT syndrome. Last evaluated: 2022-10-03. Review status: criteria provided, single submitter. Criteria: Invitae Variant Classification Sherloc (09022015). Collection method: clinical testing. Allele origin: germline.
Comment: In summary, the available evidence is currently insufficient to determine the role of this variant in disease. Therefore, it has been classified as a Variant of Uncertain Significance. Algorithms developed to predict the effect of sequence changes on RNA splicing suggest that this variant may disrupt the consensus splice site. This variant has not been reported in the literature in individuals affected with AKAP9-related conditions. This variant is not present in population databases (gnomAD no frequency). This sequence change affects a splice site in intron 30 of the AKAP9 gene. It is expected to disrupt RNA splicing. Variants that disrupt the donor or acceptor splice site typically lead to a loss of protein function (PMID: 16199547), however the current clinical and genetic evidence is not sufficient to establish whether loss-of-function variants in AKAP9 cause disease.

Literature cited by the submitters: PubMed 16199547.